The following is an entry in ClinVar:

ClinVar aggregate classification (germline): Pathogenic/Likely pathogenic. Review status: criteria provided, multiple submitters, no conflicts (2 of 4 stars). 5 submissions from 5 submitters: Pathogenic (1); Likely pathogenic (3). 1 of the submissions does not count toward it. Last evaluated 2025-07-21.

Conditions:
CPLANE1-related disorder. Also called: CPLANE1-related condition.
Orofaciodigital syndrome type 6 (OFD6). Also called: OROFACIODIGITAL SYNDROME VI; OFDS VI; POLYDACTYLY, CLEFT LIP/PALATE OR LINGUAL LUMP, AND PSYCHOMOTOR RETARDATION; VARADI SYNDROME; VARADI-PAPP SYNDROME; Oral-facial-digital syndrome type 6. Identifiers: Orphanet 2754, MedGen C2745997, MONDO:0010176, OMIM 277170.
Joubert syndrome 17 (JBTS17). Identifiers: Orphanet 475, MedGen C3553264, MONDO:0013824, OMIM 614615.
C5ORF42 & CPLANE1-related disorders.

Allele frequency attached by ClinVar (database versions not stated): TOPMed 0.00001; gnomAD exomes 0.00002 and 0.00004; ExAC 0.00011.
gnomAD v4.1: 33 of 1,505,968 alleles (0.0022%); highest among the groups gnomAD compares: East Asian, 0.0026%; no homozygotes.

Submissions (5):

PreventionGenetics, part of Exact Sciences
Classification: Likely pathogenic for CPLANE1-related condition. Last evaluated: 2025-07-21. Review status: criteria provided, single submitter. Criteria: ACMG Guidelines, 2015. Collection method: clinical testing. Allele origin: germline.
Comment: The CPLANE1 c.2611C>T variant is predicted to result in the amino acid substitution p.Arg871Cys. This variant has been reported along with another variant in CPLANE1, in an individual with Joubert syndrome (Table S5, Bachmann-Gagescu et al. 2015. PubMed ID: 26092869). This variant is reported in 0.016% of alleles in individuals of Ashkenazi Jewish descent in gnomAD. This variant is interpreted as likely pathogenic.

Blueprint Genetics
Classification: Likely pathogenic for C5ORF42 & CPLANE1-related disorders. Last evaluated: 2024-03-04. Review status: criteria provided, single submitter. Criteria: ACMG Guidelines, 2015. Collection method: clinical testing. Allele origin: germline. Affected: yes. Observed: 3 variant alleles.

Labcorp Genetics (formerly Invitae), Labcorp
Classification: Likely pathogenic. Last evaluated: 2023-04-07. Review status: criteria provided, single submitter. Criteria: Invitae Variant Classification Sherloc (09022015). Collection method: clinical testing. Allele origin: germline.
Comment: In summary, the currently available evidence indicates that the variant is pathogenic, but additional data are needed to prove that conclusively. Therefore, this variant has been classified as Likely Pathogenic. Advanced modeling of protein sequence and biophysical properties (such as structural, functional, and spatial information, amino acid conservation, physicochemical variation, residue mobility, and thermodynamic stability) has been performed at Invitae for this missense variant, however the output from this modeling did not meet the statistical confidence thresholds required to predict the impact of this variant on CPLANE1 protein function. ClinVar contains an entry for this variant (Variation ID: 217589). This missense change has been observed in individual(s) with Joubert syndrome (PMID: 26092869). The frequency data for this variant in the population databases is considered unreliable, as metrics indicate poor data quality at this position in the gnomAD database. This sequence change replaces arginine, which is basic and polar, with cysteine, which is neutral and slightly polar, at codon 871 of the CPLANE1 protein (p.Arg871Cys).

UW Hindbrain Malformation Research Program, University of Washington
Classification: Pathogenic for Joubert syndrome 17. Last evaluated: 2015-02-23. Review status: criteria provided, single submitter. Criteria: Bachmann-Gagescu et al. (J Med Genet. 2015). Collection method: research. Allele origin: unknown. Affected: yes.

Fulgent Genetics
Classification: Uncertain significance for Orofaciodigital syndrome type 6; Joubert syndrome 17. Last evaluated: 2024-02-06. Review status: flagged submission. Criteria: ACMG Guidelines, 2015. Collection method: clinical testing. Allele origin: germline. Not counted in ClinVar's aggregate classification.
ClinVar note: Reason: Outlier claim with insufficient supporting evidence

Literature cited by the submitters: PubMed 26092869 (cited by Labcorp Genetics (formerly Invitae), Labcorp).

NM_001384732.1(CPLANE1):c.2611C>T (p.Arg871Cys)

Gene: CPLANE1 (ciliogenesis and planar polarity effector complex subunit 1; minus strand). Cytogenetic location: 5p13.2.
Variant type: single nucleotide variant.
Coding change: c.2611C>T on transcript NM_001384732.1 (MANE Select); coding-DNA position 2611, C replaced by T.
Protein change: p.Arg871Cys; replaces arginine 871 with cysteine.
Molecular consequence: missense variant.
Genome position (GRCh38, 1-based): chr5:37,221,459, G>A on the plus strand (C>T on the coding strand, the complement: CPLANE1 is on the minus strand). VCF-style: chr5-37221459-G-A. GRCh37 (hg19) VCF-style: chr5-37221561-G-A.
Other names: c.2611C>T, p.Arg871Cys (NM_023073.4); short protein forms R871C.
Identifiers: ClinVar variation 217589 (VCV000217589.16), dbSNP rs760906097, ClinGen allele CA277756.